The following is an entry in ClinVar:

NM_004260.4(RECQL4):c.3508C>T (p.Pro1170Ser)

Gene: RECQL4 (RecQ like helicase 4; minus strand). Cytogenetic location: 8q24.3.
Variant type: single nucleotide variant.
Coding change: c.3508C>T on transcript NM_004260.4 (MANE Select); coding-DNA position 3508, C replaced by T.
Protein change: p.Pro1170Ser; replaces proline 1170 with serine.
Molecular consequence: missense variant.
Genome position (GRCh38, 1-based): chr8:144,511,550, G>A on the plus strand (C>T on the coding strand, the complement: RECQL4 is on the minus strand). VCF-style: chr8-144511550-G-A. GRCh37 (hg19) VCF-style: chr8-145736933-G-A.
Other names: short protein forms P1170S.
Identifiers: ClinVar variation 656159 (VCV000656159.7), dbSNP rs1038354357, ClinGen allele CA187678232.
Genomic context (GRCh38, chr8:144,511,550, plus strand): 5'-GGTGCAGGTATTTTCTCCAGAAGCGTCGGTCCTGCCCGTACACCTGGGCCGGGTAGCAGG[G>A]GCTTCCTACGGTGGAGCCAAGACACAGCCGTGAGCCCCAGCCCCAGCCTGCAGCGGGTGG-3'
Protein context (NP_004251.4, residues 1160-1180): VARIFHGIGS[Pro1170Ser]CYPAQVYGQD

ClinVar aggregate classification (germline): Uncertain significance. Review status: criteria provided, multiple submitters, no conflicts (2 of 4 stars). 2 submissions from 2 submitters: Uncertain significance (2). Last evaluated 2025-12-08.

Conditions:
Baller-Gerold syndrome (BGS). Also called: CRANIOSYNOSTOSIS WITH RADIAL DEFECTS. Identifiers: Orphanet 1225, MedGen C0265308, MONDO:0009039, OMIM 218600.
Inborn genetic diseases. Identifiers: MedGen C0950123, MeSH D030342.

Allele frequency attached by ClinVar (database versions not stated): gnomAD 0.00001; gnomAD exomes 0.00001; TOPMed 0.00001.

Submissions (2):

Ambry Genetics
Classification: Uncertain significance for Inborn genetic diseases. Last evaluated: 2025-12-08. Review status: criteria provided, single submitter. Criteria: Ambry Variant Classification Scheme 2023. Collection method: clinical testing. Allele origin: germline.

Labcorp Genetics (formerly Invitae), Labcorp
Classification: Uncertain significance for Baller-Gerold syndrome. Last evaluated: 2022-07-14. Review status: criteria provided, single submitter. Criteria: Invitae Variant Classification Sherloc (09022015). Collection method: clinical testing. Allele origin: germline.
Comment: This sequence change replaces proline, which is neutral and non-polar, with serine, which is neutral and polar, at codon 1170 of the RECQL4 protein (p.Pro1170Ser). This variant is present in population databases (no rsID available, gnomAD 0.003%). This variant has not been reported in the literature in individuals affected with RECQL4-related conditions. ClinVar contains an entry for this variant (Variation ID: 656159). In summary, the available evidence is currently insufficient to determine the role of this variant in disease. Therefore, it has been classified as a Variant of Uncertain Significance.